The following is an entry in ClinVar:

NM_001258392.3(CLPB):c.51C>A (p.Leu17=)

Genes: CLPB (ClpB family mitochondrial disaggregase; minus strand), LOC130006336 (ATAC-STARR-seq lymphoblastoid active region 5191; plus strand). Cytogenetic location: 11q13.4.
Variant type: single nucleotide variant.
Coding change: c.51C>A on transcript NM_001258392.3 (MANE Select); coding-DNA position 51, C replaced by A.
Protein change: p.Leu17=; no amino-acid change (leucine 17 retained).
Molecular consequence: synonymous variant. On other transcripts: 5 prime UTR variant (1).
Genome position (GRCh38, 1-based): chr11:72,434,424, G>T on the plus strand (C>A on the coding strand, the complement: CLPB is on the minus strand). VCF-style: chr11-72434424-G-T. GRCh37 (hg19) VCF-style: chr11-72145468-G-T.
Other names: p.Leu17=; c.51C>A, p.Leu17= (NM_001258393.3, NM_030813.6); c.-192C>A (NM_001258394.3).
Identifiers: ClinVar variation 788112 (VCV000788112.16), dbSNP rs371869002, ClinGen allele CA6171683.

ClinVar aggregate classification (germline): Benign/Likely benign. Review status: criteria provided, multiple submitters, no conflicts (2 of 4 stars). 5 submissions from 5 submitters: Benign (3); Likely benign (2). Last evaluated 2026-10-01.

Conditions:
3-methylglutaconic aciduria, type VIIB (MGCA7B). Also called: 3-methylglutaconic aciduria, type VII, with cataracts, neurologic involvement and neutropenia; CLPB Deficiency; 3-methylglutaconic aciduria with cataracts, neurologic involvement and neutropenia. Identifiers: Orphanet 445038, MedGen C5676893, MONDO:0014561, OMIM 616271.

Allele frequency attached by ClinVar (database versions not stated): gnomAD 0.00004 and 0.00049; TOPMed 0.00011; gnomAD exomes 0.00088; 1000 Genomes Project 30x 0.00344; 1000 Genomes Project 0.00419.
gnomAD v4.1: 1,346 of 1,588,754 alleles (0.085%); highest among the groups gnomAD compares: South Asian, 1.4%; 20 homozygotes.

Submissions (5):

CeGaT Center for Human Genetics Tuebingen
Classification: Benign. Last evaluated: 2026-10-01. Review status: criteria provided, single submitter. Criteria: CeGaT Center For Human Genetics Tuebingen Variant Classification Criteria Version 2. Collection method: clinical testing. Allele origin: germline. Affected: yes. Observed: 1 variant allele.
Comment: CLPB: BP4, BP7, BS1, BS2

Labcorp Genetics (formerly Invitae), Labcorp
Classification: Benign for 3-methylglutaconic aciduria, type VIIB. Last evaluated: 2026-01-11. Review status: criteria provided, single submitter. Criteria: Invitae Variant Classification Sherloc (09022015). Collection method: clinical testing. Allele origin: germline.

Mayo Clinic Laboratories, Mayo Clinic
Classification: Benign. Last evaluated: 2025-04-09. Review status: criteria provided, single submitter. Criteria: ACMG Guidelines, 2015. Collection method: clinical testing. Allele origin: germline. Observed: 1 variant allele.
Comment: BS1, BS2, BP4, BP7

Blueprint Genetics
Classification: Likely benign. Last evaluated: 2024-11-18. Review status: criteria provided, single submitter. Criteria: ACMG Guidelines, 2015. Collection method: clinical testing. Allele origin: germline.

GeneDx
Classification: Likely benign. Last evaluated: 2020-12-15. Review status: criteria provided, single submitter. Criteria: GeneDx Variant Classification Process June 2021. Collection method: clinical testing. Allele origin: germline. Affected: yes.